The following is an entry in ClinVar:

NM_001367549.1(ATP13A3):c.3149G>A (p.Gly1050Glu)

Gene: ATP13A3 (ATPase 13A3; minus strand). Cytogenetic location: 3q29.
Variant type: single nucleotide variant.
Coding change: c.3149G>A on transcript NM_001367549.1 (MANE Select); coding-DNA position 3149, G replaced by A.
Protein change: p.Gly1050Glu; replaces glycine 1050 with glutamic acid.
Molecular consequence: missense variant. On other transcripts: non-coding transcript variant (2).
Genome position (GRCh38, 1-based): chr3:194,425,506, C>T on the plus strand (G>A on the coding strand, the complement: ATP13A3 is on the minus strand). VCF-style: chr3-194425506-C-T. GRCh37 (hg19) VCF-style: chr3-194146235-C-T.
Other names: c.3068G>A, p.Gly1023Glu (NM_001374836.1); c.3149G>A, p.Gly1050Glu (NM_001437993.1, NM_024524.4); short protein forms G1023E, G1050E.
Identifiers: ClinVar variation 4762925 (VCV004762925.1).
Genomic context (GRCh38, chr3:194,425,506, plus strand): 5'-TTTTGTATATTATGTTCATCAAGTTCGGTTTCATTGTCTACGTGTGAAGAATTCCAAAAC[C>T]CGCTTCCTGTTGTATTACAAGCACTAGAACACATGCAAAAAATGTCTGCATTAGTAAACA-3'
Protein context (NP_001354478.1, residues 1040-1060): KSDACNTTGS[Gly1050Glu]FWNSSHVDNE

ClinVar aggregate classification (germline): Uncertain significance (1 of 4 stars; one submission).

gnomAD v4.1: 1 of 1,612,160 alleles (0.000062%); highest among the groups gnomAD compares: Admixed American, 0.0017%; no homozygotes.

Submission:

Labcorp Genetics (formerly Invitae), Labcorp
Classification: Uncertain significance. Last evaluated: 2025-11-24. Review status: criteria provided, single submitter. Criteria: Invitae Variant Classification Sherloc (09022015). Collection method: clinical testing. Allele origin: germline.
Comment: This sequence change replaces glycine, which is neutral and non-polar, with glutamic acid, which is acidic and polar, at codon 1050 of the ATP13A3 protein (p.Gly1050Glu). This variant is present in population databases (no rsID available, gnomAD 0.003%). This variant has not been reported in the literature in individuals affected with ATP13A3-related conditions. An algorithm developed to predict the effect of missense changes on protein structure and function (PolyPhen-2) suggests that this variant is likely to be tolerated. In summary, the available evidence is currently insufficient to determine the role of this variant in disease. Therefore, it has been classified as a Variant of Uncertain Significance.